The following is an entry in ClinVar:

NM_000532.5(PCCB):c.791A>T (p.Asp264Val)

Gene: PCCB (propionyl-CoA carboxylase subunit beta; plus strand). Cytogenetic location: 3q22.3.
Variant type: single nucleotide variant.
Coding change: c.791A>T on transcript NM_000532.5 (MANE Select); coding-DNA position 791, A replaced by T.
Protein change: p.Asp264Val; replaces aspartic acid 264 with valine.
Molecular consequence: missense variant.
Genome position (GRCh38, 1-based): chr3:136,297,979, A>T. VCF-style: chr3-136297979-A-T. GRCh37 (hg19) VCF-style: chr3-136016821-A-T.
Other names: c.851A>T, p.Asp284Val (NM_001178014.2); short protein forms D264V, D284V.
Identifiers: ClinVar variation 4890709 (VCV004890709.1).
Genomic context (GRCh38, chr3:136,297,979, plus strand): 5'-TGACTCAATCATATATGCTCCCTGTTCTCTTAGGTGTGGCCCACAGAGCTTTTGAAAATG[A>T]TGTTGATGCCTTGTGTAATCTCCGGGATTTCTTCAACTACCTGCCCCTGAGCAGTCAGGA-3'
Protein context (NP_000523.2, residues 254-274): SGVAHRAFEN[Asp264Val]VDALCNLRDF

ClinVar aggregate classification (germline): Likely pathogenic (1 of 4 stars; one submission).

Conditions:
Propionic acidemia (PROP). Also called: GLYCINEMIA, KETOTIC; HYPERGLYCINEMIA WITH KETOACIDOSIS AND LEUKOPENIA; KETOTIC HYPERGLYCINEMIA. Identifiers: Orphanet 35, MedGen C0268579, MONDO:0011628, OMIM 606054, HP:0003571.

gnomAD v4.1: 1 of 1,614,134 alleles (0.000062%); highest among the groups gnomAD compares: South Asian, 0.0011%; no homozygotes.

Submission:

Institute of Human Genetics, University of Leipzig Medical Center
Classification: Likely pathogenic for Propionic acidemia. Last evaluated: 2026-07-21. Review status: criteria provided, single submitter. Criteria: ACMG Guidelines, 2015. Collection method: clinical testing. Allele origin: inherited. Inheritance: Autosomal recessive inheritance. Affected: yes.
Comment: Criteria applied: PM2,PM3_SUP,PM5_SUP,PP3,PP4